The following is an entry in ClinVar:

NM_005120.3(MED12):c.5624C>T (p.Pro1875Leu)

Gene: MED12 (mediator complex subunit 12; plus strand). Cytogenetic location: Xq13.1.
Variant type: single nucleotide variant.
Coding change: c.5624C>T on transcript NM_005120.3 (MANE Select); coding-DNA position 5624, C replaced by T.
Protein change: p.Pro1875Leu; replaces proline 1875 with leucine.
Molecular consequence: missense variant.
Genome position (GRCh38, 1-based): chrX:71,137,259, C>T. VCF-style: chrX-71137259-C-T. GRCh37 (hg19) VCF-style: chrX-70357109-C-T.
Other names: short protein forms P1875L.
Identifiers: ClinVar variation 2132408 (VCV002132408.4), dbSNP rs2519714031, ClinGen allele CA413536859.

ClinVar aggregate classification (germline): Uncertain significance (1 of 4 stars; one submission).

Conditions:
FG syndrome (FGS). Identifiers: MedGen C0220769, MONDO:0002010.

Submission:

Labcorp Genetics (formerly Invitae), Labcorp
Classification: Uncertain significance for FG syndrome. Last evaluated: 2022-05-01. Review status: criteria provided, single submitter. Criteria: Invitae Variant Classification Sherloc (09022015). Collection method: clinical testing. Allele origin: germline.
Comment: In summary, the available evidence is currently insufficient to determine the role of this variant in disease. Therefore, it has been classified as a Variant of Uncertain Significance. Advanced modeling of protein sequence and biophysical properties (such as structural, functional, and spatial information, amino acid conservation, physicochemical variation, residue mobility, and thermodynamic stability) performed at Invitae indicates that this missense variant is not expected to disrupt MED12 protein function. This variant has not been reported in the literature in individuals affected with MED12-related conditions. This variant is not present in population databases (gnomAD no frequency). This sequence change replaces proline, which is neutral and non-polar, with leucine, which is neutral and non-polar, at codon 1875 of the MED12 protein (p.Pro1875Leu).